The following is an entry in ClinVar:

NM_001220.5(CAMK2B):c.223C>A (p.Arg75Ser)

Gene: CAMK2B (calcium/calmodulin dependent protein kinase II beta; minus strand). Cytogenetic location: 7p13.
Variant type: single nucleotide variant.
Coding change: c.223C>A on transcript NM_001220.5 (MANE Select); coding-DNA position 223, C replaced by A.
Protein change: p.Arg75Ser; replaces arginine 75 with serine.
Molecular consequence: missense variant.
Genome position (GRCh38, 1-based): chr7:44,258,924, G>T on the plus strand (C>A on the coding strand, the complement: CAMK2B is on the minus strand). VCF-style: chr7-44258924-G-T. GRCh37 (hg19) VCF-style: chr7-44298523-G-T.
Other names: c.223C>A, p.Arg75Ser (NM_001293170.2, NM_172078.3, NM_172079.3 and 5 more transcripts); short protein forms R75S.
Identifiers: ClinVar variation 3764300 (VCV003764300.1).
Genomic context (GRCh38, chr7:44,258,924, plus strand): 5'-GAACTTACAGATCGAAGACCAGGTAGTGGAAGCCCTCCTCGGAGATGCTGTCGTGGAGAC[G>T]CACTGTGGGGACAGAGAAGCCATGAGGGGCTGGCAATAGCCCAGGACACACCTCCTGCCT-3'
Protein context (NP_001211.3, residues 65-85): CRLLKHSNIV[Arg75Ser]LHDSISEEGF

ClinVar aggregate classification (germline): Uncertain significance (1 of 4 stars; one submission).

Submission:

GeneDx
Classification: Uncertain significance. Last evaluated: 2024-08-20. Review status: criteria provided, single submitter. Criteria: GeneDx Variant Classification Process June 2021. Collection method: clinical testing. Allele origin: germline. Affected: yes.
Comment: Not observed at significant frequency in large population cohorts (gnomAD); In silico analysis supports that this missense variant has a deleterious effect on protein structure/function; Has not been previously published as pathogenic or benign to our knowledge